The following is an entry in ClinVar:

NM_000465.4(BARD1):c.1857G>T (p.Lys619Asn)

Gene: BARD1 (BRCA1 associated RING domain 1; minus strand). Cytogenetic location: 2q35.
Variant type: single nucleotide variant.
Coding change: c.1857G>T on transcript NM_000465.4 (MANE Select); coding-DNA position 1857, G replaced by T.
Protein change: p.Lys619Asn; replaces lysine 619 with asparagine.
Molecular consequence: missense variant. On other transcripts: non-coding transcript variant (3), intron variant (1).
Genome position (GRCh38, 1-based): chr2:214,745,113, C>A on the plus strand (G>T on the coding strand, the complement: BARD1 is on the minus strand). VCF-style: chr2-214745113-C-A. GRCh37 (hg19) VCF-style: chr2-215609837-C-A.
Other names: c.1800G>T, p.Lys600Asn (NM_001282543.2); c.504G>T, p.Lys168Asn (NM_001282545.2); c.447G>T, p.Lys149Asn (NM_001282548.2); c.365-14605G>T (NM_001282549.2); short protein forms K168N, K619N, K149N, K600N.
Identifiers: ClinVar variation 4824126 (VCV004824126.1).

ClinVar aggregate classification (germline): Uncertain significance (1 of 4 stars; one submission).

Conditions:
Hereditary cancer-predisposing syndrome. Also called: Neoplastic Syndromes, Hereditary; Hereditary neoplastic syndrome; Tumor predisposition; Hereditary Cancer Syndrome. Identifiers: Orphanet 140162, MedGen C0027672, MeSH D009386, MONDO:0015356.

gnomAD v4.1: 1 of 1,614,054 alleles (0.000062%); highest among the groups gnomAD compares: Non-Finnish European, 0.000085%; no homozygotes.

Submission:

Ambry Genetics
Classification: Uncertain significance for Hereditary cancer-predisposing syndrome. Last evaluated: 2026-02-11. Review status: criteria provided, single submitter. Criteria: Ambry Variant Classification Scheme 2023. Collection method: clinical testing. Allele origin: germline.
Comment: The p.K619N variant (also known as c.1857G>T), located in coding exon 9 of the BARD1 gene, results from a G to T substitution at nucleotide position 1857. The lysine at codon 619 is replaced by asparagine, an amino acid with similar properties. This amino acid position is highly conserved in available vertebrate species. In addition, this alteration is predicted to be tolerated by in silico analysis. Based on the available evidence, the clinical significance of this variant remains unclear.